The following is an entry in ClinVar:

ClinVar aggregate classification (germline): Benign/Likely benign. Review status: criteria provided, multiple submitters, no conflicts (2 of 4 stars). 6 submissions from 5 submitters: Benign (4); Likely benign (1). 1 of the submissions does not count toward it. Last evaluated 2026-02-01.

Conditions:
MYH3-related disorder. Also called: MYH3-related condition; MYH3-Related Disorders. Identifiers: MedGen CN239329.
Freeman-Sheldon syndrome (DA2A). Also called: WHISTLING FACE-WINDMILL VANE HAND SYNDROME; CRANIOCARPOTARSAL DYSPLASIA; CRANIOCARPOTARSAL DYSTROPHY; Arthrogryposis, distal, type 2A (Freeman-Sheldon). Identifiers: Orphanet 2053, MedGen C0265224, MONDO:0008675, OMIM 193700.
Distal arthrogryposis type 2B1 (DA2B1). Also called: Arthrogryposis multiplex congenita distal type II with craniofacial abnormalities. Identifiers: Orphanet 1147, MedGen C5193014, MONDO:0020820, OMIM 601680.

Allele frequency attached by ClinVar (database versions not stated): ExAC 0.00224; 1000 Genomes Project 30x 0.00625; gnomAD exomes 0.00078 and 0.00188; ESP Exome Variant Server 0.00815; TOPMed 0.00869; 1000 Genomes Project 0.00659; gnomAD 0.00729 and 0.00793.
gnomAD v4.1: 2,296 of 1,614,232 alleles (0.14%); highest among the groups gnomAD compares: African/African-American, 2.5%; 29 homozygotes.

Submissions (6):

Labcorp Genetics (formerly Invitae), Labcorp
Classification: Benign. Last evaluated: 2026-02-01. Review status: criteria provided, single submitter. Criteria: Invitae Variant Classification Sherloc (09022015). Collection method: clinical testing. Allele origin: germline.

Illumina Laboratory Services, Illumina
Classification: Benign for Freeman-Sheldon syndrome. Last evaluated: 2018-01-13. Review status: criteria provided, single submitter. Criteria: ICSL Variant Classification Criteria 13 December 2019. Collection method: clinical testing. Allele origin: germline.
Comment: This variant was observed in the ICSL laboratory as part of a predisposition screen in an ostensibly healthy population. It had not been previously curated by ICSL or reported in the Human Gene Mutation Database (HGMD: prior to June 1st, 2018), and was therefore a candidate for classification through an automated scoring system. Utilizing variant allele frequency, disease prevalence and penetrance estimates, and inheritance mode, an automated score was calculated to assess if this variant is too frequent to cause the disease. Based on the score and internal cut-off values, a variant classified as benign is not then subjected to further curation. The score for this variant resulted in a classification of benign for this disease.

Illumina Laboratory Services, Illumina
Classification: Benign for Distal arthrogryposis type 2B1. Last evaluated: 2018-01-13. Review status: criteria provided, single submitter. Criteria: ICSL Variant Classification Criteria 13 December 2019. Collection method: clinical testing. Allele origin: germline.
Comment: the same text as in the submission from Illumina Laboratory Services, Illumina above.

Genetic Services Laboratory, University of Chicago
Classification: Benign. Last evaluated: 2017-12-07. Review status: criteria provided, single submitter. Criteria: ACMG Guidelines, 2015. Collection method: clinical testing. Allele origin: germline. Affected: no.

Breakthrough Genomics
Classification: Likely benign. Review status: criteria provided, single submitter. Criteria: ACMG Guidelines, 2015. Collection method: not provided. Allele origin: germline. Inheritance: Autosomal recessive inheritance. Affected: yes.

PreventionGenetics, part of Exact Sciences
Classification: Benign for MYH3-related condition. Last evaluated: 2019-04-25. Review status: no assertion criteria provided. Collection method: clinical testing. Allele origin: germline. Not counted in ClinVar's aggregate classification.
Comment: This variant is classified as benign based on ACMG/AMP sequence variant interpretation guidelines (Richards et al. 2015 PMID: 25741868, with internal and published modifications).

NM_002470.4(MYH3):c.774G>A (p.Lys258=)

Gene: MYH3 (myosin heavy chain 3; minus strand). Cytogenetic location: 17p13.1.
Variant type: single nucleotide variant.
Coding change: c.774G>A on transcript NM_002470.4 (MANE Select); coding-DNA position 774, G replaced by A.
Protein change: p.Lys258=; no amino-acid change (lysine 258 retained).
Molecular consequence: synonymous variant.
Genome position (GRCh38, 1-based): chr17:10,647,388, C>T on the plus strand (G>A on the coding strand, the complement: MYH3 is on the minus strand). VCF-style: chr17-10647388-C-T. GRCh37 (hg19) VCF-style: chr17-10550705-C-T.
Identifiers: ClinVar variation 258704 (VCV000258704.20), dbSNP rs16943598, ClinGen allele CA8393161.